The following is an entry in ClinVar:

ClinVar aggregate classification (germline): Pathogenic (1 of 4 stars; one submission).

Conditions:
Primary hyperoxaluria, type I (HP1). Also called: OXALOSIS I; Primary hyperoxaluria type 1; GLYCOLIC ACIDURIA; HEPATIC AGT DEFICIENCY. Identifiers: Orphanet 416, Orphanet 93598, MedGen C0268164, MONDO:0009823, OMIM 259900. Disease mechanism: loss of function.

Submission:

Thalassemia Center, San Luigi University Hospital
Classification: Pathogenic for Primary hyperoxaluria, type I. Last evaluated: 2023-10-27. Review status: criteria provided, single submitter. Criteria: ACMG Guidelines, 2015. Collection method: clinical testing. Allele origin: germline. Affected: yes.
Comment: ACMG:PVS1 PM2 PM3

NM_000030.3(AGXT):c.278_279insCACACTT (p.Leu94fs)

Gene: AGXT (alanine--glyoxylate aminotransferase; plus strand). Cytogenetic location: 2q37.3.
Variant type: Insertion.
Coding change: c.278_279insCACACTT on transcript NM_000030.3 (MANE Select); coding-DNA positions 278 to 279, CACACTT inserted.
Protein change: p.Leu94fs; shifts the reading frame from leucine 94.
Molecular consequence: frameshift variant.
Genome position: GRCh38 VCF-style: chr2-240869281-G-GTCACACT. GRCh37 (hg19) VCF-style: chr2-241808698-G-GTCACACT.
Other names: short protein forms L94fs.
Identifiers: ClinVar variation 2671867 (VCV002671867.1), dbSNP rs2528740269, ClinGen allele CA2695197709.